The following is an entry in ClinVar:

NM_025137.4(SPG11):c.3514dup (p.Ile1172fs)

Gene: SPG11 (SPG11 vesicle trafficking associated, spatacsin; minus strand). Cytogenetic location: 15q21.1.
Variant type: Duplication.
Coding change: c.3514dup on transcript NM_025137.4 (MANE Select); coding-DNA position 3514, one base duplicated (A; older notation c.3514dupA).
Protein change: p.Ile1172fs; shifts the reading frame from isoleucine 1172.
Molecular consequence: frameshift variant.
Genome position (GRCh38, 1-based): chr15:44,606,031, T duplicated on the plus strand (A on the coding strand, the reverse complement: SPG11 is on the minus strand). VCF-style (leftmost placement, unchanged base first): chr15-44606030-A-AT. GRCh37 (hg19) VCF-style: chr15-44898228-A-AT.
Other names: c.3514dup, p.Ile1172fs (NM_001160227.2, NM_001411132.1); short protein forms I1172fs.
Identifiers: ClinVar variation 2747782 (VCV002747782.3), dbSNP rs2505447228, ClinGen allele CA2697554454.

ClinVar aggregate classification (germline): Pathogenic (1 of 4 stars; one submission).

Conditions:
Hereditary spastic paraplegia 11. Also called: Nakamura Osame syndrome; Autosomal recessive hereditary spastic paraplegia, mental impairment, and thin corpus callosum; Spastic paraplegia, mental retardation and thin corpus callosum; SPASTIC PARAPLEGIA, AUTOSOMAL RECESSIVE, COMPLICATED, WITH THIN CORPUS CALLOSUM; SPASTIC PARAPLEGIA, AUTOSOMAL RECESSIVE, WITH MENTAL IMPAIRMENT AND THIN CORPUS CALLOSUM; Spastic Paraplegia 11. Identifiers: Orphanet 2822, MedGen C1858479, MONDO:0011445, OMIM 604360.

Submission:

Labcorp Genetics (formerly Invitae), Labcorp
Classification: Pathogenic for Hereditary spastic paraplegia 11. Last evaluated: 2023-07-28. Review status: criteria provided, single submitter. Criteria: Invitae Variant Classification Sherloc (09022015). Collection method: clinical testing. Allele origin: germline.
Comment: This sequence change creates a premature translational stop signal (p.Ile1172Asnfs*13) in the SPG11 gene. It is expected to result in an absent or disrupted protein product. Loss-of-function variants in SPG11 are known to be pathogenic (PMID: 19105190, 20110243, 22154821, 26556829). This variant is not present in population databases (gnomAD no frequency). This variant has not been reported in the literature in individuals affected with SPG11-related conditions. For these reasons, this variant has been classified as Pathogenic.

Literature cited by the submitters: PubMed 19105190; PubMed 20110243; PubMed 22154821; PubMed 26556829.